The following is an entry in ClinVar:

ClinVar aggregate classification (germline): Benign. Review status: criteria provided, multiple submitters, no conflicts (2 of 4 stars). 5 submissions from 5 submitters: Benign (4). 1 of the submissions does not count toward it. Last evaluated 2026-01-25.

Conditions:
TBC1D8B-related disorder. Also called: TBC1D8B-related condition.

Allele frequency attached by ClinVar (database versions not stated): gnomAD exomes 0.00658 and 0.01843; ExAC 0.02334; gnomAD 0.06342 and 0.06763; 1000 Genomes Project 0.06967; TOPMed 0.07318; 1000 Genomes Project 30x 0.07347; ESP Exome Variant Server 0.08132.
gnomAD v4.1: 14,566 of 1,204,340 alleles (1.2%); highest among the groups gnomAD compares: African/African-American, 22%; 1,144 homozygotes.

Submissions (5):

Labcorp Genetics (formerly Invitae), Labcorp
Classification: Benign. Last evaluated: 2026-01-25. Review status: criteria provided, single submitter. Criteria: Invitae Variant Classification Sherloc (09022015). Collection method: clinical testing. Allele origin: germline.

Mayo Clinic Laboratories, Mayo Clinic
Classification: Benign. Last evaluated: 2023-04-10. Review status: criteria provided, single submitter. Criteria: ACMG Guidelines, 2015. Collection method: clinical testing. Allele origin: germline. Observed: 11 variant alleles.

GeneDx
Classification: Benign. Last evaluated: 2020-01-21. Review status: criteria provided, single submitter. Criteria: GeneDx Variant Classification (06012015). Collection method: clinical testing. Allele origin: germline. Affected: yes.

Breakthrough Genomics
Classification: Benign. Review status: criteria provided, single submitter. Criteria: ACMG Guidelines, 2015. Collection method: not provided. Allele origin: germline. Inheritance: X-linked inheritance. Affected: yes.

PreventionGenetics, part of Exact Sciences
Classification: Benign for TBC1D8B-related condition. Last evaluated: 2019-11-25. Review status: no assertion criteria provided. Collection method: clinical testing. Allele origin: germline. Not counted in ClinVar's aggregate classification.
Comment: This variant is classified as benign based on ACMG/AMP sequence variant interpretation guidelines (Richards et al. 2015 PMID: 25741868, with internal and published modifications).

NM_017752.3(TBC1D8B):c.1380A>G (p.Ser460=)

Gene: TBC1D8B (TBC1 domain family member 8B; plus strand). Cytogenetic location: Xq22.3.
Variant type: single nucleotide variant.
Coding change: c.1380A>G on transcript NM_017752.3 (MANE Select); coding-DNA position 1380, A replaced by G.
Protein change: p.Ser460=; no amino-acid change (serine 460 retained).
Molecular consequence: synonymous variant.
Genome position (GRCh38, 1-based): chrX:106,840,074, A>G. VCF-style: chrX-106840074-A-G. GRCh37 (hg19) VCF-style: chrX-106083304-A-G.
Other names: p.Ser460=; c.1380A>G, p.Ser460= (NM_198881.2).
Identifiers: ClinVar variation 1174191 (VCV001174191.13), dbSNP rs56825776, ClinGen allele CA10483125.